The following is an entry in ClinVar:

ClinVar aggregate classification (germline): Uncertain significance (1 of 4 stars; one submission).

Conditions:
Alstrom syndrome (ALMS). Identifiers: Orphanet 64, MedGen C0268425, MONDO:0008763, OMIM 203800.

Submission:

Labcorp Genetics (formerly Invitae), Labcorp
Classification: Uncertain significance for Alstrom syndrome. Last evaluated: 2022-06-22. Review status: criteria provided, single submitter. Criteria: Invitae Variant Classification Sherloc (09022015). Collection method: clinical testing. Allele origin: germline.
Comment: This variant is not present in population databases (gnomAD no frequency). This variant has not been reported in the literature in individuals affected with ALMS1-related conditions. Experimental studies and prediction algorithms are not available or were not evaluated, and the functional significance of this variant is currently unknown. In summary, the available evidence is currently insufficient to determine the role of this variant in disease. Therefore, it has been classified as a Variant of Uncertain Significance. This sequence change replaces glycine, which is neutral and non-polar, with serine, which is neutral and polar, at codon 2740 of the ALMS1 protein (p.Gly2740Ser).

NM_001378454.1(ALMS1):c.8215G>A (p.Gly2739Ser)

Gene: ALMS1 (ALMS1 centrosome and basal body associated protein; plus strand). Cytogenetic location: 2p13.1.
Variant type: single nucleotide variant.
Coding change: c.8215G>A on transcript NM_001378454.1 (MANE Select); coding-DNA position 8215, G replaced by A.
Protein change: p.Gly2739Ser; replaces glycine 2739 with serine.
Molecular consequence: missense variant.
Genome position (GRCh38, 1-based): chr2:73,490,174, G>A. VCF-style: chr2-73490174-G-A. GRCh37 (hg19) VCF-style: chr2-73717301-G-A.
Other names: c.8218G>A, p.Gly2740Ser (NM_015120.4); short protein forms G2739S, G2740S.
Identifiers: ClinVar variation 2009161 (VCV002009161.4), dbSNP rs965594244, ClinGen allele CA347267881.
Genomic context (GRCh38, chr2:73,490,174, plus strand): 5'-TCTCACCGACATTCTAAATGCATTTCCAATTCCTCTGTTGTTAAGGTTGGTGTTACTGAA[G>A]GTAGCCAGTGTACTGGAGCATCTGTGGGGGTATTTAATTCTCATTTCACTGAAGAACAAA-3'
Protein context (NP_001365383.1, residues 2729-2749): SSVVKVGVTE[Gly2739Ser]SQCTGASVGV